The following is an entry in ClinVar:

NM_006180.6(NTRK2):c.1232C>T (p.Thr411Met)

Gene: NTRK2 (neurotrophic receptor tyrosine kinase 2; plus strand). Cytogenetic location: 9q21.33.
Variant type: single nucleotide variant.
Coding change: c.1232C>T on transcript NM_006180.6 (MANE Select); coding-DNA position 1232, C replaced by T.
Protein change: p.Thr411Met; replaces threonine 411 with methionine.
Molecular consequence: missense variant.
Genome position (GRCh38, 1-based): chr9:84,745,009, C>T. VCF-style: chr9-84745009-C-T. GRCh37 (hg19) VCF-style: chr9-87359924-C-T.
Other names: c.1232C>T (NM_006180.3, NM_006180.4); c.1232C>T, p.Thr411Met (NM_001007097.3, NM_001018064.3, NM_001018065.2 and 15 more transcripts); c.1193C>T, p.Thr398Met (NM_001291937.2, NM_001369546.1); c.1196C>T, p.Thr399Met (NM_001369534.1); c.764C>T, p.Thr255Met (NM_001369535.1, NM_001369536.1, NM_001369550.1 and 2 more transcripts); short protein forms T255M, T398M, T399M, T411M.
Identifiers: ClinVar variation 1595889 (VCV001595889.32), dbSNP rs78629699, ClinGen allele CA5105681.

ClinVar aggregate classification (germline): Likely benign. Review status: criteria provided, multiple submitters, no conflicts (2 of 4 stars). 5 submissions from 5 submitters: Likely benign (4). 1 of the submissions does not count toward it. Last evaluated 2025-12-24.

Conditions:
Inborn genetic diseases. Identifiers: MedGen C0950123, MeSH D030342.
NTRK2-related disorder. Also called: NTRK2-related condition.

Allele frequency attached by ClinVar (database versions not stated): ESP Exome Variant Server 0.00008; gnomAD 0.00012 and 0.00013; 1000 Genomes Project 0.00020; 1000 Genomes Project 30x 0.00031.
gnomAD v4.1: 272 of 1,613,780 alleles (0.017%); highest among the groups gnomAD compares: Middle Eastern, 0.049%; 1 homozygote.

Submissions (5):

Labcorp Genetics (formerly Invitae), Labcorp
Classification: Likely benign. Last evaluated: 2025-12-24. Review status: criteria provided, single submitter. Criteria: Invitae Variant Classification Sherloc (09022015). Collection method: clinical testing. Allele origin: germline.

CeGaT Center for Human Genetics Tuebingen
Classification: Likely benign. Last evaluated: 2025-06-01. Review status: criteria provided, single submitter. Criteria: CeGaT Center For Human Genetics Tuebingen Variant Classification Criteria Version 2. Collection method: clinical testing. Allele origin: germline. Affected: yes. Observed: 2 variant alleles.
Comment: NTRK2: BS1

Blueprint Genetics
Classification: Likely benign. Last evaluated: 2024-05-03. Review status: criteria provided, single submitter. Criteria: ACMG Guidelines, 2015. Collection method: clinical testing. Allele origin: germline.

Ambry Genetics
Classification: Likely benign for Inborn genetic diseases. Last evaluated: 2021-05-29. Review status: criteria provided, single submitter. Criteria: Ambry Variant Classification Scheme 2023. Collection method: clinical testing. Allele origin: germline.

PreventionGenetics, part of Exact Sciences
Classification: Likely benign for NTRK2-related condition. Last evaluated: 2021-10-25. Review status: no assertion criteria provided. Collection method: clinical testing. Allele origin: germline. Not counted in ClinVar's aggregate classification.
Comment: This variant is classified as likely benign based on ACMG/AMP sequence variant interpretation guidelines (Richards et al. 2015 PMID: 25741868, with internal and published modifications).